The following is an entry in ClinVar:

ClinVar aggregate classification (germline): Benign. Review status: criteria provided, multiple submitters, no conflicts (2 of 4 stars). 2 submissions from 2 submitters: Benign (2). Last evaluated 2018-01-13.

Conditions:
Gelatinous droplike corneal dystrophy (GDLD). Also called: AMYLOID CORNEAL DYSTROPHY, JAPANESE TYPE. Identifiers: Orphanet 98957, MedGen C0339273, MONDO:0008777, OMIM 204870.

Allele frequency attached by ClinVar (database versions not stated): gnomAD exomes 0.14286; gnomAD 0.25516 and 0.26328; 1000 Genomes Project 0.25699; TOPMed 0.26750; 1000 Genomes Project 30x 0.26968.
gnomAD v4.1: 38,679 of 151,998 alleles (25%); highest among the groups gnomAD compares: African/African-American, 50%; 6,814 homozygotes.

Submissions (2):

Illumina Laboratory Services, Illumina
Classification: Benign for Gelatinous droplike corneal dystrophy. Last evaluated: 2018-01-13. Review status: criteria provided, single submitter. Criteria: ICSL Variant Classification Criteria 13 December 2019. Collection method: clinical testing. Allele origin: germline.
Comment: This variant was observed in the ICSL laboratory as part of a predisposition screen in an ostensibly healthy population. It had not been previously curated by ICSL or reported in the Human Gene Mutation Database (HGMD: prior to June 1st, 2018), and was therefore a candidate for classification through an automated scoring system. Utilizing variant allele frequency, disease prevalence and penetrance estimates, and inheritance mode, an automated score was calculated to assess if this variant is too frequent to cause the disease. Based on the score and internal cut-off values, a variant classified as benign is not then subjected to further curation. The score for this variant resulted in a classification of benign for this disease.

Breakthrough Genomics
Classification: Benign. Review status: criteria provided, single submitter. Criteria: ACMG Guidelines, 2015. Collection method: not provided. Allele origin: germline. Inheritance: Autosomal recessive inheritance. Affected: yes.

NM_002353.3(TACSTD2):c.*637G>A

Gene: TACSTD2 (tumor associated calcium signal transducer 2; minus strand). Cytogenetic location: 1p32.1.
Variant type: single nucleotide variant.
Coding change: c.*637G>A on transcript NM_002353.3 (MANE Select); 637 bases downstream of the stop codon, G replaced by A.
Molecular consequence: 3 prime UTR variant.
Genome position (GRCh38, 1-based): chr1:58,575,548, C>T on the plus strand (G>A on the coding strand, the complement: TACSTD2 is on the minus strand). VCF-style: chr1-58575548-C-T. GRCh37 (hg19) VCF-style: chr1-59041220-C-T.
Identifiers: ClinVar variation 297752 (VCV000297752.6), dbSNP rs7333, ClinGen allele CA10611304.